The following is an entry in ClinVar:

NM_001042492.3(NF1):c.6921+10G>A

Gene: NF1 (neurofibromin 1; plus strand). Cytogenetic location: 17q11.2.
Variant type: single nucleotide variant.
Coding change: c.6921+10G>A on transcript NM_001042492.3 (MANE Select); 10 bases into the intron after coding-DNA position 6921, G replaced by A.
Molecular consequence: intron variant.
Genome position (GRCh38, 1-based): chr17:31,338,815, G>A. VCF-style: chr17-31338815-G-A. GRCh37 (hg19) VCF-style: chr17-29665833-G-A.
Other names: c.6858+10G>A (NM_000267.4).
Identifiers: ClinVar variation 215724 (VCV000215724.17), dbSNP rs767166725, ClinGen allele CA338206.

ClinVar aggregate classification (germline): Conflicting classifications of pathogenicity. Review status: criteria provided, conflicting classifications (1 of 4 stars). 5 submissions from 5 submitters: Uncertain significance (1); Likely benign (4). Last evaluated 2026-07-16.

Conditions:
NF1-related disorder. Also called: NF1-related condition. Identifiers: MedGen CN379171.
Neurofibromatosis, type 1 (NF1). Also called: NEUROFIBROMATOSIS, TYPE I, SOMATIC; Peripheral type neurofibromatosis; Neurofibromatosis, type I; VON RECKLINGHAUSEN DISEASE. Identifiers: Orphanet 636, MedGen C0027831, MONDO:0018975, OMIM 162200. Disease mechanism: loss of function.

Allele frequency attached by ClinVar (database versions not stated): TOPMed 0.00003.
gnomAD v4.1: 32 of 1,558,696 alleles (0.0021%); highest among the groups gnomAD compares: Non-Finnish European, 0.0025%; 1 homozygote.

Submissions (5):

PreventionGenetics, part of Exact Sciences
Classification: Likely benign for NF1-related condition. Last evaluated: 2026-07-16. Review status: criteria provided, single submitter. Criteria: ACMG Guidelines, 2015. Collection method: clinical testing. Allele origin: germline.
Comment: This variant is classified as likely benign based on ACMG/AMP sequence variant interpretation guidelines (Richards et al. 2015 PMID: 25741868, with internal and published modifications).

Myriad Genetics, Inc.
Classification: Likely benign for Neurofibromatosis, type 1. Last evaluated: 2026-05-13. Review status: criteria provided, single submitter. Criteria: Myriad Autosomal Dominant, Autosomal Recessive and X-Linked Classification Criteria (2023). Collection method: clinical testing. Allele origin: unknown.
Comment: This variant is considered likely benign. This variant is intronic and is not expected to impact mRNA splicing.

Labcorp Genetics (formerly Invitae), Labcorp
Classification: Likely benign for Neurofibromatosis, type 1. Last evaluated: 2026-01-26. Review status: criteria provided, single submitter. Criteria: Invitae Variant Classification Sherloc (09022015). Collection method: clinical testing. Allele origin: germline.

Women's Health and Genetics/Laboratory Corporation of America, LabCorp
Classification: Likely benign. Last evaluated: 2024-10-11. Review status: criteria provided, single submitter. Criteria: LabCorp Variant Classification Summary - May 2015. Collection method: clinical testing. Allele origin: germline.
Comment: Variant summary: NF1 c.6858+10G>A alters a non-conserved nucleotide located at a position not widely known to affect splicing. Consensus agreement among computation tools predict no significant impact on normal splicing. However, these predictions have yet to be confirmed by functional studies. The variant allele was found at a frequency of 1.6e-05 in 250784 control chromosomes. The available data on variant occurrences in the general population are insufficient to allow any conclusion about variant significance. To our knowledge, no occurrence of c.6858+10G>A in individuals affected with Neurofibromatosis Type 1 and no experimental evidence demonstrating its impact on protein function have been reported. ClinVar contains an entry for this variant (Variation ID: 215724). Based on the evidence outlined above, the variant was classified as likely benign.

Laboratory for Molecular Medicine, Mass General Brigham Personalized Medicine
Classification: Uncertain significance. Last evaluated: 2015-12-03. Review status: criteria provided, single submitter. Criteria: LMM Criteria. Collection method: clinical testing. Allele origin: germline. Observed: 2 variant alleles.
Comment: Variant classified as Uncertain Significance - Favor Benign. The c.6921+10G>A in NF1 has not been previously reported in individuals with a RASopathy. It has be en identified in 3/66498 European chromosomes and 1/8646 South Asian chromosomes by the Exome Aggregation Consortium (ExAC; dbSN P rs767166725). Computational tools DO NOT suggest an impact to splicing. Howeve r, this information is not predictive enough to rule out pathogenicity. In summa ry, while the clinical significance of the c.6921+10G>A variant is uncertain, th ese data suggest that it is more likely to be benign.

Literature cited by the submitters: PubMed 10678181 (cited by Women's Health and Genetics/Laboratory Corporation of America, LabCorp); PubMed 23460398 (cited by Women's Health and Genetics/Laboratory Corporation of America, LabCorp); PubMed 29872168 (cited by Women's Health and Genetics/Laboratory Corporation of America, LabCorp); PubMed 27069254 (cited by Women's Health and Genetics/Laboratory Corporation of America, LabCorp).